The following is an entry in ClinVar:

NM_001843.4(CNTN1):c.1836A>G (p.Ile612Met)

Gene: CNTN1 (contactin 1; plus strand). Cytogenetic location: 12q12.
Variant type: single nucleotide variant.
Coding change: c.1836A>G on transcript NM_001843.4 (MANE Select); coding-DNA position 1836, A replaced by G.
Protein change: p.Ile612Met; replaces isoleucine 612 with methionine.
Molecular consequence: missense variant.
Genome position (GRCh38, 1-based): chr12:40,980,940, A>G. VCF-style: chr12-40980940-A-G. GRCh37 (hg19) VCF-style: chr12-41374742-A-G.
Other names: c.1803A>G, p.Ile601Met (NM_175038.2); short protein forms I601M, I612M.
Identifiers: ClinVar variation 641061 (VCV000641061.7), dbSNP rs1592357953, ClinGen allele CA384585790.

ClinVar aggregate classification (germline): Uncertain significance (1 of 4 stars; one submission).

Conditions:
Compton-North congenital myopathy (CMYO12). Identifiers: Orphanet 210163, MedGen C2675527, MONDO:0012929, OMIM 612540.

Submission:

Labcorp Genetics (formerly Invitae), Labcorp
Classification: Uncertain significance for Compton-North congenital myopathy. Last evaluated: 2025-08-18. Review status: criteria provided, single submitter. Criteria: Invitae Variant Classification Sherloc (09022015). Collection method: clinical testing. Allele origin: germline.
Comment: This sequence change replaces isoleucine, which is neutral and non-polar, with methionine, which is neutral and non-polar, at codon 612 of the CNTN1 protein (p.Ile612Met). This variant is not present in population databases (gnomAD no frequency). This variant has not been reported in the literature in individuals affected with CNTN1-related conditions. ClinVar contains an entry for this variant (Variation ID: 641061). Invitae Evidence Modeling of protein sequence and biophysical properties (such as structural, functional, and spatial information, amino acid conservation, physicochemical variation, residue mobility, and thermodynamic stability) indicates that this missense variant is not expected to disrupt CNTN1 protein function with a negative predictive value of 95%. In summary, the available evidence is currently insufficient to determine the role of this variant in disease. Therefore, it has been classified as a Variant of Uncertain Significance.